The following is an entry in ClinVar:

ClinVar aggregate classification (germline): Uncertain significance (1 of 4 stars; one submission).

gnomAD v4.1: 22 of 1,613,086 alleles (0.0014%); highest among the groups gnomAD compares: South Asian, 0.012%; no homozygotes.

Submission:

Women's Health and Genetics/Laboratory Corporation of America, LabCorp
Classification: Uncertain significance. Last evaluated: 2026-02-27. Review status: criteria provided, single submitter. Criteria: LabCorp Variant Classification Summary - May 2015. Collection method: clinical testing. Allele origin: germline.
Comment: Variant summary: HECW2 c.882C>T (p.Ile294Ile) alters a conserved nucleotide located close to a canonical splice site and therefore could affect mRNA splicing, leading to a significantly altered protein sequence. Several computational tools predict a significant impact on normal splicing: One predict the variant abolishes a 5' splicing donor site. Three predict the variant weakens a 5' donor site. However, these predictions have yet to be confirmed by functional studies. The variant allele was found at a frequency of 1.2e-05 in 250754 control chromosomes. The available data on variant occurrences in the general population are insufficient to allow any conclusion about variant significance. To our knowledge, no occurrence of c.882C>T in individuals affected with HECW2-related conditions and no experimental evidence demonstrating its impact on protein function have been reported. No submitters have cited clinical-significance assessments for this variant to ClinVar. Based on the evidence outlined above, the variant was classified as uncertain significance.

NM_001348768.2(HECW2):c.882C>T (p.Ile294=)

Gene: HECW2 (HECT, C2 and WW domain containing E3 ubiquitin protein ligase 2; minus strand). Cytogenetic location: 2q32.3.
Variant type: single nucleotide variant.
Coding change: c.882C>T on transcript NM_001348768.2 (MANE Select); coding-DNA position 882, C replaced by T.
Protein change: p.Ile294=; no amino-acid change (isoleucine 294 retained).
Molecular consequence: synonymous variant. On other transcripts: 5 prime UTR variant (1).
Genome position (GRCh38, 1-based): chr2:196,322,480, G>A on the plus strand (C>T on the coding strand, the complement: HECW2 is on the minus strand). VCF-style: chr2-196322480-G-A. GRCh37 (hg19) VCF-style: chr2-197187204-G-A.
Other names: c.-86C>T (NM_001304840.3); c.882C>T, p.Ile294= (NM_020760.4).
Identifiers: ClinVar variation 4848228 (VCV004848228.1).